The following is an entry in ClinVar:

ClinVar aggregate classification (germline): Uncertain significance. Review status: criteria provided, multiple submitters, no conflicts (2 of 4 stars). 2 submissions from 2 submitters: Uncertain significance (2). Last evaluated 2026-01-06.

Conditions:
Neutropenia, severe congenital, 2, autosomal dominant. Identifiers: Orphanet 486, MedGen C2751288, MONDO:0013139, OMIM 613107.

Submissions (2):

Ambry Genetics
Classification: Uncertain significance. Last evaluated: 2026-01-06. Review status: criteria provided, single submitter. Criteria: Ambry Variant Classification Scheme 2023. Collection method: clinical testing. Allele origin: germline.
Comment: The p.V79I variant (also known as c.235G>A), located in coding exon 2 of the GFI1 gene, results from a G to A substitution at nucleotide position 235. The valine at codon 79 is replaced by isoleucine, an amino acid with highly similar properties. This amino acid position is conserved. In addition, this alteration is predicted to be tolerated by in silico analysis. Based on the available evidence, the clinical significance of this variant remains unclear.

Labcorp Genetics (formerly Invitae), Labcorp
Classification: Uncertain significance for Neutropenia, severe congenital, 2, autosomal dominant. Last evaluated: 2024-07-06. Review status: criteria provided, single submitter. Criteria: Invitae Variant Classification Sherloc (09022015). Collection method: clinical testing. Allele origin: germline.
Comment: This sequence change replaces valine, which is neutral and non-polar, with isoleucine, which is neutral and non-polar, at codon 79 of the GFI1 protein (p.Val79Ile). This variant is present in population databases (no rsID available, gnomAD 0.006%). This variant has not been reported in the literature in individuals affected with GFI1-related conditions. Advanced modeling of protein sequence and biophysical properties (such as structural, functional, and spatial information, amino acid conservation, physicochemical variation, residue mobility, and thermodynamic stability) performed at Invitae indicates that this missense variant is not expected to disrupt GFI1 protein function with a negative predictive value of 80%. In summary, the available evidence is currently insufficient to determine the role of this variant in disease. Therefore, it has been classified as a Variant of Uncertain Significance.

NM_005263.5(GFI1):c.235G>A (p.Val79Ile)

Gene: GFI1 (growth factor independent 1 transcriptional repressor; minus strand). Cytogenetic location: 1p22.1.
Variant type: single nucleotide variant.
Coding change: c.235G>A on transcript NM_005263.5 (MANE Select); coding-DNA position 235, G replaced by A.
Protein change: p.Val79Ile; replaces valine 79 with isoleucine.
Molecular consequence: missense variant.
Genome position (GRCh38, 1-based): chr1:92,482,927, C>T on the plus strand (G>A on the coding strand, the complement: GFI1 is on the minus strand). VCF-style: chr1-92482927-C-T. GRCh37 (hg19) VCF-style: chr1-92948484-C-T.
Other names: c.235G>A, p.Val79Ile (NM_001127215.3, NM_001127216.3); short protein forms V79I.
Identifiers: ClinVar variation 3716875 (VCV003716875.3).